The following is an entry in ClinVar:

ClinVar aggregate classification (germline): Uncertain significance. Review status: criteria provided, multiple submitters, no conflicts (2 of 4 stars). 3 submissions from 3 submitters: Uncertain significance (3). Last evaluated 2025-08-04.

Conditions:
Trichohepatoenteric syndrome 2 (THES2). Identifiers: Orphanet 84064, MedGen C3281289, MONDO:0013818, OMIM 614602.
Inborn genetic diseases. Identifiers: MedGen C0950123, MeSH D030342.

Allele frequency attached by ClinVar (database versions not stated): TOPMed 0.00001; gnomAD exomes 0.00003 and 0.00006; ExAC 0.00004.
gnomAD v4.1: 88 of 1,600,156 alleles (0.0055%); highest among the groups gnomAD compares: Non-Finnish European, 0.0072%; no homozygotes.

Submissions (3):

Ambry Genetics
Classification: Uncertain significance for Inborn genetic diseases. Last evaluated: 2025-08-04. Review status: criteria provided, single submitter. Criteria: Ambry Variant Classification Scheme 2023. Collection method: clinical testing. Allele origin: germline.

Labcorp Genetics (formerly Invitae), Labcorp
Classification: Uncertain significance. Last evaluated: 2022-07-30. Review status: criteria provided, single submitter. Criteria: Invitae Variant Classification Sherloc (09022015). Collection method: clinical testing. Allele origin: germline.
Comment: This sequence change replaces alanine, which is neutral and non-polar, with valine, which is neutral and non-polar, at codon 1240 of the SKIV2L protein (p.Ala1240Val). This variant is present in population databases (rs774251531, gnomAD 0.02%). This variant has not been reported in the literature in individuals affected with SKIV2L-related conditions. ClinVar contains an entry for this variant (Variation ID: 356355). Algorithms developed to predict the effect of missense changes on protein structure and function are either unavailable or do not agree on the potential impact of this missense change (SIFT: "Tolerated"; PolyPhen-2: "Possibly Damaging"; Align-GVGD: "Class C0"). In summary, the available evidence is currently insufficient to determine the role of this variant in disease. Therefore, it has been classified as a Variant of Uncertain Significance.

Illumina Laboratory Services, Illumina
Classification: Uncertain significance for Trichohepatoenteric syndrome 2. Last evaluated: 2018-01-13. Review status: criteria provided, single submitter. Criteria: ICSL Variant Classification Criteria 13 December 2019. Collection method: clinical testing. Allele origin: germline.

NM_006929.5(SKIC2):c.3719C>T (p.Ala1240Val)

Gene: SKIC2 (SKI2 subunit of superkiller complex; plus strand). Cytogenetic location: 6p21.33.
Variant type: single nucleotide variant.
Coding change: c.3719C>T on transcript NM_006929.5 (MANE Select); coding-DNA position 3719, C replaced by T.
Protein change: p.Ala1240Val; replaces alanine 1240 with valine.
Molecular consequence: missense variant.
Genome position (GRCh38, 1-based): chr6:31,969,693, C>T. VCF-style: chr6-31969693-C-T. GRCh37 (hg19) VCF-style: chr6-31937470-C-T.
Other names: short protein forms A1240V.
Identifiers: ClinVar variation 356355 (VCV000356355.8), dbSNP rs774251531, ClinGen allele CA3730119.